The following is an entry in ClinVar:

NM_014049.5(ACAD9):c.1079C>G (p.Thr360Ser)

Gene: ACAD9 (acyl-CoA dehydrogenase family member 9; plus strand). Cytogenetic location: 3q21.3.
Variant type: single nucleotide variant.
Coding change: c.1079C>G on transcript NM_014049.5 (MANE Select); coding-DNA position 1079, C replaced by G.
Protein change: p.Thr360Ser; replaces threonine 360 with serine.
Molecular consequence: missense variant. On other transcripts: non-coding transcript variant (1).
Genome position (GRCh38, 1-based): chr3:128,904,435, C>G. VCF-style: chr3-128904435-C-G. GRCh37 (hg19) VCF-style: chr3-128623278-C-G.
Other names: short protein forms T360S.
Identifiers: ClinVar variation 1312145 (VCV001312145.4), dbSNP rs753025393, ClinGen allele CA354436250.

ClinVar aggregate classification (germline): Uncertain significance. Review status: criteria provided, multiple submitters, no conflicts (2 of 4 stars). 2 submissions from 2 submitters: Uncertain significance (2). Last evaluated 2021-12-13.

Allele frequency attached by ClinVar (database versions not stated): gnomAD 0.00001.
gnomAD v4.1: 5 of 1,614,102 alleles (0.00031%); highest among the groups gnomAD compares: Non-Finnish European, 0.00042%; no homozygotes.

Submissions (2):

Labcorp Genetics (formerly Invitae), Labcorp
Classification: Uncertain significance. Last evaluated: 2021-12-13. Review status: criteria provided, single submitter. Criteria: Invitae Variant Classification Sherloc (09022015). Collection method: clinical testing. Allele origin: germline.
Comment: This sequence change replaces threonine, which is neutral and polar, with serine, which is neutral and polar, at codon 360 of the ACAD9 protein (p.Thr360Ser). This variant is present in population databases (no rsID available, gnomAD 0.007%). This variant has not been reported in the literature in individuals affected with ACAD9-related conditions. ClinVar contains an entry for this variant (Variation ID: 1312145). Advanced modeling of protein sequence and biophysical properties (such as structural, functional, and spatial information, amino acid conservation, physicochemical variation, residue mobility, and thermodynamic stability) performed at Invitae indicates that this missense variant is not expected to disrupt ACAD9 protein function. In summary, the available evidence is currently insufficient to determine the role of this variant in disease. Therefore, it has been classified as a Variant of Uncertain Significance.

GeneDx
Classification: Uncertain significance. Last evaluated: 2019-09-06. Review status: criteria provided, single submitter. Criteria: GeneDx Variant Classification Process June 2021. Collection method: clinical testing. Allele origin: germline. Affected: yes.
Comment: Not observed at a significant frequency in large population cohorts (Lek et al., 2016); In silico analysis, which includes protein predictors and evolutionary conservation, supports that this variant does not alter protein structure/function; Has not been previously published as pathogenic or benign to our knowledge